The following is an entry in ClinVar:

NM_177438.3(DICER1):c.3236G>A (p.Gly1079Asp)

Gene: DICER1 (dicer 1, ribonuclease III; minus strand). Cytogenetic location: 14q32.13.
Variant type: single nucleotide variant.
Coding change: c.3236G>A on transcript NM_177438.3 (MANE Select); coding-DNA position 3236, G replaced by A.
Protein change: p.Gly1079Asp; replaces glycine 1079 with aspartic acid.
Molecular consequence: missense variant.
Genome position (GRCh38, 1-based): chr14:95,105,104, C>T on the plus strand (G>A on the coding strand, the complement: DICER1 is on the minus strand). VCF-style: chr14-95105104-C-T. GRCh37 (hg19) VCF-style: chr14-95571441-C-T.
Other names: c.3236G>A, p.Gly1079Asp (NM_001195573.1, NM_001271282.3, NM_001291628.2 and 1 more transcripts); c.3236G>A (NM_177438.2); short protein forms G1079D.
Identifiers: ClinVar variation 1386014 (VCV001386014.10), dbSNP rs2139985839, ClinGen allele CA390876394.

ClinVar aggregate classification (germline): Uncertain significance. Review status: criteria provided, multiple submitters, no conflicts (2 of 4 stars). 2 submissions from 2 submitters: Uncertain significance (2). Last evaluated 2025-09-23.

Conditions:
Hereditary cancer-predisposing syndrome. Also called: Tumor predisposition; Hereditary neoplastic syndrome; Neoplastic Syndromes, Hereditary; Hereditary Cancer Syndrome. Identifiers: Orphanet 140162, MedGen C0027672, MeSH D009386, MONDO:0015356.
DICER1-related tumor predisposition. Also called: DICER1 syndrome; DICER1-related pleuropulmonary blastoma cancer predisposition syndrome. Identifiers: Orphanet 284343, MedGen C3839822, MONDO:0100216.

Submissions (2):

Ambry Genetics
Classification: Uncertain significance for Hereditary cancer-predisposing syndrome. Last evaluated: 2025-09-23. Review status: criteria provided, single submitter. Criteria: Ambry Variant Classification Scheme 2023. Collection method: clinical testing. Allele origin: germline.
Comment: The p.G1079D variant (also known as c.3236G>A), located in coding exon 19 of the DICER1 gene, results from a G to A substitution at nucleotide position 3236. The glycine at codon 1079 is replaced by aspartic acid, an amino acid with similar properties. This amino acid position is conserved. In addition, this alteration is predicted to be tolerated by in silico analysis. Based on the available evidence, the clinical significance of this variant remains unclear.

Labcorp Genetics (formerly Invitae), Labcorp
Classification: Uncertain significance for DICER1-related tumor predisposition. Last evaluated: 2025-09-14. Review status: criteria provided, single submitter. Criteria: Invitae Variant Classification Sherloc (09022015). Collection method: clinical testing. Allele origin: germline.
Comment: This sequence change replaces glycine, which is neutral and non-polar, with aspartic acid, which is acidic and polar, at codon 1079 of the DICER1 protein (p.Gly1079Asp). This variant is not present in population databases (gnomAD no frequency). This variant has not been reported in the literature in individuals affected with DICER1-related conditions. ClinVar contains an entry for this variant (Variation ID: 1386014). Invitae Evidence Modeling of protein sequence and biophysical properties (such as structural, functional, and spatial information, amino acid conservation, physicochemical variation, residue mobility, and thermodynamic stability) has been performed for this missense variant. However, the output from this modeling did not meet the statistical confidence thresholds required to predict the impact of this variant on DICER1 protein function. In summary, the available evidence is currently insufficient to determine the role of this variant in disease. Therefore, it has been classified as a Variant of Uncertain Significance.